The following is an entry in ClinVar:

ClinVar aggregate classification (germline): Uncertain significance. Review status: criteria provided, multiple submitters, no conflicts (2 of 4 stars). 4 submissions from 4 submitters: Uncertain significance (4). Last evaluated 2024-12-06.

Conditions:
Familial adenomatous polyposis 1 (FAP1). Also called: POLYPOSIS, ADENOMATOUS INTESTINAL; FAMILIAL ADENOMATOUS POLYPOSIS 1, ATTENUATED. Identifiers: MedGen C2713442, MONDO:0021056, OMIM 175100. Disease mechanism: loss of function.
Classic or attenuated familial adenomatous polyposis. Identifiers: MedGen CN372698, MONDO:0021057.
Hereditary cancer-predisposing syndrome. Also called: Hereditary Cancer Syndrome; Neoplastic Syndromes, Hereditary; Tumor predisposition; Hereditary neoplastic syndrome. Identifiers: Orphanet 140162, MedGen C0027672, MeSH D009386, MONDO:0015356.

gnomAD v4.1: 2 of 1,613,962 alleles (0.00012%); highest among the groups gnomAD compares: Non-Finnish European, 0.00017%; no homozygotes.

Submissions (4):

Ambry Genetics
Classification: Uncertain significance for Hereditary cancer-predisposing syndrome. Last evaluated: 2024-12-06. Review status: criteria provided, single submitter. Criteria: Ambry Variant Classification Scheme 2023. Collection method: clinical testing. Allele origin: germline.
Comment: The p.Q2628H variant (also known as c.7884G>T), located in coding exon 15 of the APC gene, results from a G to T substitution at nucleotide position 7884. The glutamine at codon 2628 is replaced by histidine, an amino acid with highly similar properties. This amino acid position is not well conserved in available vertebrate species. Missense alterations in APC are not a common cause of disease (Spier I et al. Genet Med. 2024 Feb;26(2):100992). In addition, in silico predictors for this gene do not accurately predict pathogenicity. Since supporting evidence is limited at this time, the clinical significance of this alteration remains unclear.

Color Diagnostics, LLC DBA Color Health
Classification: Uncertain significance for Hereditary cancer-predisposing syndrome. Last evaluated: 2024-03-06. Review status: criteria provided, single submitter. Criteria: ACMG Guidelines, 2015. Collection method: clinical testing. Allele origin: germline.
Comment: This missense variant replaces glutamine with histidine at codon 2628 of the APC protein. Computational prediction suggests that this variant may not impact protein structure and function (internally defined REVEL score threshold <= 0.5, PMID: 27666373). To our knowledge, functional studies have not been reported for this variant. This variant has not been reported in individuals affected with APC-related disorders in the literature. This variant has not been identified in the general population by the Genome Aggregation Database (gnomAD). The available evidence is insufficient to determine the role of this variant in disease conclusively. Therefore, this variant is classified as a Variant of Uncertain Significance.

Baylor Genetics
Classification: Uncertain significance for Familial adenomatous polyposis 1. Last evaluated: 2023-10-10. Review status: criteria provided, single submitter. Criteria: ACMG Guidelines, 2015. Collection method: clinical testing. Allele origin: unknown.

All of Us Research Program, National Institutes of Health
Classification: Uncertain significance for Classic or attenuated familial adenomatous polyposis. Last evaluated: 2023-05-04. Review status: criteria provided, single submitter. Criteria: ACMG Guidelines, 2015. Collection method: clinical testing. Allele origin: germline. Inheritance: Autosomal dominant inheritance. Observed: 1 variant allele, 1 heterozygote.
Comment: This missense variant replaces glutamine with histidine at codon 2628 of the APC protein. Computational prediction suggests that this variant may not impact protein structure and function (internally defined REVEL score threshold <= 0.5, PMID: 27666373). To our knowledge, functional studies have not been reported for this variant. This variant has not been reported in individuals affected with APC-related disorders in the literature. This variant has not been identified in the general population by the Genome Aggregation Database (gnomAD). The available evidence is insufficient to determine the role of this variant in disease conclusively. Therefore, this variant is classified as a Variant of Uncertain Significance.

This study involves interpretation of variants in research participants for the purpose of population health screening. Participant phenotype was not available at the time of variant classification. Additional details can be found in publication PMID: 35346344, PMCID: PMC8962531

NM_000038.6(APC):c.7884G>T (p.Gln2628His)

Gene: APC (APC regulator of Wnt signaling pathway; plus strand). Cytogenetic location: 5q22.2.
Variant type: single nucleotide variant.
Coding change: c.7884G>T on transcript NM_000038.6 (MANE Select); coding-DNA position 7884, G replaced by T.
Protein change: p.Gln2628His; replaces glutamine 2628 with histidine.
Molecular consequence: missense variant.
Genome position (GRCh38, 1-based): chr5:112,843,478, G>T. VCF-style: chr5-112843478-G-T. GRCh37 (hg19) VCF-style: chr5-112179175-G-T.
Other names: c.7884G>T, p.Gln2628His (NM_001127510.3, NM_001354895.2); c.7830G>T, p.Gln2610His (NM_001127511.3); c.7938G>T, p.Gln2646His (NM_001354896.2); c.7914G>T, p.Gln2638His (NM_001354897.2); c.7809G>T, p.Gln2603His (NM_001354898.2); c.7800G>T, p.Gln2600His (NM_001354899.2); c.7761G>T, p.Gln2587His (NM_001354900.2); c.7707G>T, p.Gln2569His (NM_001354901.2); and 5 more; short protein forms Q2610H, Q2628H, Q2468H, Q2569H, Q2600H, Q2638H, Q2502H, Q2537H.
Identifiers: ClinVar variation 489500 (VCV000489500.11), dbSNP rs1554088722, ClinGen allele CA16038461.
Genomic context (GRCh38, chr5:112,843,478, plus strand): 5'-AAAAGGAACATGGAGAAAAATAAAAGAAAATGAATTTTCTCCCACAAATAGTACTTCTCA[G>T]ACCGTTTCCTCAGGTGCTACAAATGGTGCTGAATCAAAGACTCTAATTTATCAAATGGCA-3'
Protein context (NP_000029.2, residues 2618-2638): NEFSPTNSTS[Gln2628His]TVSSGATNGA